The following is an entry in ClinVar:

ClinVar aggregate classification (germline): Likely benign (0 of 4 stars; one submission).

Conditions:
DGKE-related disorder. Also called: DGKE-related condition.

Allele frequency attached by ClinVar (database versions not stated): ESP Exome Variant Server 0.00008; ExAC 0.00009; gnomAD 0.00011; TOPMed 0.00011.
gnomAD v4.1: 147 of 1,595,822 alleles (0.0092%); highest among the groups gnomAD compares: Middle Eastern, 0.044%; no homozygotes.

Submission:

PreventionGenetics, part of Exact Sciences
Classification: Likely benign for DGKE-related condition. Last evaluated: 2022-12-19. Review status: no assertion criteria provided. Collection method: clinical testing. Allele origin: germline.
Comment: This variant is classified as likely benign based on ACMG/AMP sequence variant interpretation guidelines (Richards et al. 2015 PMID: 25741868, with internal and published modifications).

NM_003647.3(DGKE):c.-6G>A

Gene: DGKE (diacylglycerol kinase epsilon; plus strand). Cytogenetic location: 17q22.
Variant type: single nucleotide variant.
Coding change: c.-6G>A on transcript NM_003647.3 (MANE Select); 6 bases upstream of the start codon, G replaced by A.
Molecular consequence: 5 prime UTR variant.
Genome position (GRCh38, 1-based): chr17:56,834,790, G>A. VCF-style: chr17-56834790-G-A. GRCh37 (hg19) VCF-style: chr17-54912151-G-A.
Identifiers: ClinVar variation 3047492 (VCV003047492.2), dbSNP rs375950944, ClinGen allele CA8663398.